The following is an entry in ClinVar:

NM_198252.3(GSN):c.-9-2084C>G

Gene: GSN (gelsolin; plus strand). Cytogenetic location: 9q33.2.
Variant type: single nucleotide variant.
Coding change: c.-9-2084C>G on transcript NM_198252.3 (MANE Select); 2084 bases into the intron before 9 bases upstream of the start codon, C replaced by G.
Molecular consequence: intron variant. On other transcripts: synonymous variant (1).
Genome position (GRCh38, 1-based): chr9:121,299,879, C>G. VCF-style: chr9-121299879-C-G. GRCh37 (hg19) VCF-style: chr9-124062157-C-G.
Other names: p.Pro6=; c.18C>G, p.Pro6= (NM_000177.5); c.-9-2084C>G (NM_001353054.1, NM_001353053.1, NM_001353060.2 and 5 more transcripts); c.-47-177C>G (NM_001353064.2, NM_001353066.2, NM_001353072.2 and 7 more transcripts); c.-1-2092C>G (NM_001353058.2, NM_001353059.2, NM_001353056.2 and 1 more transcripts); c.-38-186C>G (NM_001353073.2, NM_001353065.2, NM_001353068.2 and 2 more transcripts); c.100-2084C>G (NM_001127663.2); c.-32-192C>G (NM_001353070.2); and 5 more.
Identifiers: ClinVar variation 1538820 (VCV001538820.9), dbSNP rs770905678, ClinGen allele CA5220648.

ClinVar aggregate classification (germline): Benign/Likely benign. Review status: criteria provided, multiple submitters, no conflicts (2 of 4 stars). 2 submissions from 2 submitters: Benign (1); Likely benign (1). Last evaluated 2025-08-29.

Allele frequency attached by ClinVar (database versions not stated): TOPMed below 0.00001; gnomAD 0.00001; ExAC 0.00186.
gnomAD v4.1: 50 of 1,324,182 alleles (0.0038%); highest among the groups gnomAD compares: South Asian, 0.056%; no homozygotes.

Submissions (2):

Mayo Clinic Laboratories, Mayo Clinic
Classification: Likely benign. Last evaluated: 2025-08-29. Review status: criteria provided, single submitter. Criteria: ACMG Guidelines, 2015. Collection method: clinical testing. Allele origin: germline. Observed: 1 variant allele.
Comment: BP4, BP7

Labcorp Genetics (formerly Invitae), Labcorp
Classification: Benign. Last evaluated: 2024-01-27. Review status: criteria provided, single submitter. Criteria: Invitae Variant Classification Sherloc (09022015). Collection method: clinical testing. Allele origin: germline.